The following is an entry in ClinVar:

ClinVar aggregate classification (germline): Benign (1 of 4 stars; one submission).

Allele frequency attached by ClinVar (database versions not stated): gnomAD 0.00102.
gnomAD v4.1: 51 of 48,906 alleles (0.1%); highest among the groups gnomAD compares: African/African-American, 0.25%; no homozygotes.

Submission:

CeGaT Center for Human Genetics Tuebingen
Classification: Benign. Last evaluated: 2022-06-01. Review status: criteria provided, single submitter. Criteria: CeGaT Center For Human Genetics Tuebingen Variant Classification Criteria Version 2. Collection method: clinical testing. Allele origin: germline. Affected: yes. Observed: 1 variant allele.
Comment: SORL1: BS1, BS2

NM_003105.6(SORL1):c.528+2503G>A

Gene: SORL1 (sortilin related receptor 1; plus strand). Cytogenetic location: 11q24.1.
Variant type: single nucleotide variant.
Coding change: c.528+2503G>A on transcript NM_003105.6 (MANE Select); 2503 bases into the intron after coding-DNA position 528, G replaced by A.
Molecular consequence: intron variant.
Genome position (GRCh38, 1-based): chr11:121,480,746, G>A. VCF-style: chr11-121480746-G-A. GRCh37 (hg19) VCF-style: chr11-121351455-G-A.
Identifiers: ClinVar variation 2642470 (VCV002642470.24), dbSNP rs372816962, ClinGen allele CA229963349.
Genomic context (GRCh38, chr11:121,480,746, plus strand): 5'-CCTATAGGCAGGCTCCATCTCCTCCTCCCCAGCTCCTCCCCTAGTGCACAGATACCTATA[G>A]GCAAGCTCCATCTCCTCCTCCCCAGCTCCTCCCCTAGTGCACAGATACCTATAGGCAAGC-3'